The following is an entry in ClinVar:

NM_000063.6(C2):c.2251C>A (p.Pro751Thr)

Gene: C2 (complement C2; plus strand). Cytogenetic location: 6p21.33.
Variant type: single nucleotide variant.
Coding change: c.2251C>A on transcript NM_000063.6 (MANE Select); coding-DNA position 2251, C replaced by A.
Protein change: p.Pro751Thr; replaces proline 751 with threonine.
Molecular consequence: missense variant.
Genome position (GRCh38, 1-based): chr6:31,945,349, C>A. VCF-style: chr6-31945349-C-A. GRCh37 (hg19) VCF-style: chr6-31913126-C-A.
Other names: c.1855C>A, p.Pro619Thr (NM_001145903.3); c.1609C>A, p.Pro537Thr (NM_001178063.3); c.1513C>A, p.Pro505Thr (NM_001282457.2); c.2164C>A, p.Pro722Thr (NM_001282458.2); short protein forms P722T, P619T, P505T, P537T, P751T.
Identifiers: ClinVar variation 1482808 (VCV001482808.6), dbSNP rs1771312221, ClinGen allele CA363385598.

ClinVar aggregate classification (germline): Uncertain significance (1 of 4 stars; one submission).

Submission:

Labcorp Genetics (formerly Invitae), Labcorp
Classification: Uncertain significance. Last evaluated: 2025-06-08. Review status: criteria provided, single submitter. Criteria: Invitae Variant Classification Sherloc (09022015). Collection method: clinical testing. Allele origin: germline.
Comment: This sequence change replaces proline, which is neutral and non-polar, with threonine, which is neutral and polar, at codon 751 of the C2 protein (p.Pro751Thr). This variant is not present in population databases (gnomAD no frequency). This variant has not been reported in the literature in individuals affected with C2-related conditions. ClinVar contains an entry for this variant (Variation ID: 1482808). An algorithm developed to predict the effect of missense changes on protein structure and function (PolyPhen-2) suggests that this variant is likely to be disruptive. In summary, the available evidence is currently insufficient to determine the role of this variant in disease. Therefore, it has been classified as a Variant of Uncertain Significance.